The following is an entry in ClinVar:

NM_004960.4(FUS):c.823C>T (p.His275Tyr)

Gene: FUS (FUS DNA/RNA binding protein; plus strand). Cytogenetic location: 16p11.2.
Variant type: single nucleotide variant.
Coding change: c.823C>T on transcript NM_004960.4 (MANE Select); coding-DNA position 823, C replaced by T.
Protein change: p.His275Tyr; replaces histidine 275 with tyrosine.
Molecular consequence: missense variant. On other transcripts: non-coding transcript variant (1).
Genome position (GRCh38, 1-based): chr16:31,188,348, C>T. VCF-style: chr16-31188348-C-T. GRCh37 (hg19) VCF-style: chr16-31199669-C-T.
Other names: c.820C>T, p.His274Tyr (NM_001170634.1); c.811C>T, p.His271Tyr (NM_001170937.1); short protein forms H275Y, H271Y, H274Y.
Identifiers: ClinVar variation 2065419 (VCV002065419.11), dbSNP rs2544268001, ClinGen allele CA395671795.
Genomic context (GRCh38, chr16:31,188,348, plus strand): 5'-TGTTTTTTTTTTGTTCTTTTTTTCCATGTCACTAAAGGCCCTCGGGACCAAGGATCACGT[C>T]ATGACTCCGGTGAGTTCACACGTGGTGGCATGAAAAGAGTGGCTAAAGTGGTATCAAGAC-3'
Protein context (NP_004951.1, residues 265-285): FGGPRDQGSR[His275Tyr]DSEQDNSDNN

ClinVar aggregate classification (germline): Uncertain significance. Review status: criteria provided, multiple submitters, no conflicts (2 of 4 stars). 2 submissions from 2 submitters: Uncertain significance (2). Last evaluated 2025-09-01.

Conditions:
Amyotrophic lateral sclerosis type 6. Also called: FUS-Related Amyotrophic Laterial Sclerosis; AMYOTROPHIC LATERAL SCLEROSIS 6 WITHOUT FRONTOTEMPORAL DEMENTIA; Amyotrophic lateral sclerosis 6, with or without frontotemporal dementia. Identifiers: Orphanet 275872, Orphanet 803, MedGen C2931786, MONDO:0011951, OMIM 608030.
Tremor, hereditary essential, 4 (ETM4). Identifiers: MedGen C3539195, MONDO:0013888, OMIM 614782.

Allele frequency attached by ClinVar (database versions not stated): gnomAD exomes 0.00001.

Submissions (2):

CeGaT Center for Human Genetics Tuebingen
Classification: Uncertain significance. Last evaluated: 2025-09-01. Review status: criteria provided, single submitter. Criteria: CeGaT Center For Human Genetics Tuebingen Variant Classification Criteria Version 2. Collection method: clinical testing. Allele origin: germline. Affected: yes. Observed: 1 variant allele.
Comment: FUS: PM2

Labcorp Genetics (formerly Invitae), Labcorp
Classification: Uncertain significance for Tremor, hereditary essential, 4; Amyotrophic lateral sclerosis type 6. Last evaluated: 2023-08-17. Review status: criteria provided, single submitter. Criteria: Invitae Variant Classification Sherloc (09022015). Collection method: clinical testing. Allele origin: germline.
Comment: ClinVar contains an entry for this variant (Variation ID: 2065419). This sequence change replaces histidine, which is basic and polar, with tyrosine, which is neutral and polar, at codon 275 of the FUS protein (p.His275Tyr). This variant is not present in population databases (gnomAD no frequency). This variant has not been reported in the literature in individuals affected with FUS-related conditions. An algorithm developed to predict the effect of missense changes on protein structure and function (PolyPhen-2) suggests that this variant is likely to be tolerated. In summary, the available evidence is currently insufficient to determine the role of this variant in disease. Therefore, it has been classified as a Variant of Uncertain Significance.